The following is an entry in ClinVar:

ClinVar aggregate classification (germline): Uncertain significance (1 of 4 stars; one submission).

Submission:

Ambry Genetics
Classification: Uncertain significance. Last evaluated: 2023-01-01. Review status: criteria provided, single submitter. Criteria: Ambry Variant Classification Scheme 2023. Collection method: clinical testing. Allele origin: germline.
Comment: The p.R448K variant (also known as c.1343G>A), located in coding exon 3 of the ALPK2 gene, results from a G to A substitution at nucleotide position 1343. The arginine at codon 448 is replaced by lysine, an amino acid with highly similar properties. This amino acid position is conserved. In addition, this alteration is predicted to be tolerated by in silico analysis. Since supporting evidence is limited at this time, the clinical significance of this alteration remains unclear.

NM_052947.4(ALPK2):c.1343G>A (p.Arg448Lys)

Gene: ALPK2 (alpha kinase 2; minus strand). Cytogenetic location: 18q21.31.
Variant type: single nucleotide variant.
Coding change: c.1343G>A on transcript NM_052947.4 (MANE Select); coding-DNA position 1343, G replaced by A.
Protein change: p.Arg448Lys; replaces arginine 448 with lysine.
Molecular consequence: missense variant.
Genome position (GRCh38, 1-based): chr18:58,579,433, C>T on the plus strand (G>A on the coding strand, the complement: ALPK2 is on the minus strand). VCF-style: chr18-58579433-C-T. GRCh37 (hg19) VCF-style: chr18-56246665-C-T.
Other names: short protein forms R448K.
Identifiers: ClinVar variation 2449250 (VCV002449250.2), dbSNP rs2518899111, ClinGen allele CA402563433.
Genomic context (GRCh38, chr18:58,579,433, plus strand): 5'-TCTCCTTGAATTCCTGGATAATCATTTTCAGCAGCCTCGGGAGCAGTGGGGAGTTTATAT[C>T]TCCCCTGTTCTGTCACTGAAGACGTTCCATCCTGGTGAGGTCCCAAAATGAGAGTCATCC-3'
Protein context (NP_443179.3, residues 438-458): DGTSSVTEQG[Arg448Lys]YKLPTAPEAA